The following is an entry in ClinVar:

ClinVar aggregate classification (germline): Uncertain significance. Review status: criteria provided, multiple submitters, no conflicts (2 of 4 stars). 2 submissions from 2 submitters: Uncertain significance (2). Last evaluated 2025-04-18.

Conditions:
Inborn genetic diseases. Identifiers: MedGen C0950123, MeSH D030342.

Submissions (2):

Ambry Genetics
Classification: Uncertain significance for Inborn genetic diseases. Last evaluated: 2025-04-18. Review status: criteria provided, single submitter. Criteria: Ambry Variant Classification Scheme 2023. Collection method: clinical testing. Allele origin: germline.
Comment: The p.A120T variant (also known as c.358G>A) is located in coding exon 3 of the ANKRD26 gene. The alanine at codon 120 is replaced by threonine, an amino acid with similar properties. This change occurs in the first base pair of coding exon 3. This amino acid position is conserved. In addition, this alteration is predicted to be deleterious by in silico analysis. Based on the available evidence, the clinical significance of this variant remains unclear.

GeneDx
Classification: Uncertain significance. Last evaluated: 2022-04-14. Review status: criteria provided, single submitter. Criteria: GeneDx Variant Classification Process June 2021. Collection method: clinical testing. Allele origin: germline. Affected: yes.
Comment: Not observed at significant frequency in large population cohorts (gnomAD); In silico analysis supports that this missense variant has a deleterious effect on protein structure/function; Has not been previously published as pathogenic or benign to our knowledge

NM_014915.3(ANKRD26):c.358G>A (p.Ala120Thr)

Gene: ANKRD26 (ankyrin repeat domain containing 26; minus strand). Cytogenetic location: 10p12.1.
Variant type: single nucleotide variant.
Coding change: c.358G>A on transcript NM_014915.3 (MANE Select); coding-DNA position 358, G replaced by A.
Protein change: p.Ala120Thr; replaces alanine 120 with threonine.
Molecular consequence: missense variant.
Genome position (GRCh38, 1-based): chr10:27,093,522, C>T on the plus strand (G>A on the coding strand, the complement: ANKRD26 is on the minus strand). VCF-style: chr10-27093522-C-T. GRCh37 (hg19) VCF-style: chr10-27382451-C-T.
Other names: c.358G>A, p.Ala120Thr (NM_001256053.2); short protein forms A120T.
Identifiers: ClinVar variation 1710726 (VCV001710726.3), dbSNP rs2539288275, ClinGen allele CA376368423.